The following is an entry in ClinVar:

ClinVar aggregate classification (germline): Uncertain significance (1 of 4 stars; one submission).

Conditions:
Catecholaminergic polymorphic ventricular tachycardia 1. Also called: VENTRICULAR TACHYCARDIA, CATECHOLAMINERGIC POLYMORPHIC, 1, WITH OR WITHOUT ATRIAL DYSFUNCTION AND/OR DILATED CARDIOMYOPATHY; VENTRICULAR TACHYCARDIA, STRESS-INDUCED POLYMORPHIC 1; RYR2-Related Catecholaminergic Polymorphic Ventricular Tachycardia. Identifiers: Orphanet 3286, MedGen C1631597, MONDO:0011484, OMIM 604772.

gnomAD v4.1: 7 of 1,594,622 alleles (0.00044%); highest among the groups gnomAD compares: South Asian, 0.0045%; no homozygotes.

Submission:

Labcorp Genetics (formerly Invitae), Labcorp
Classification: Uncertain significance for Catecholaminergic polymorphic ventricular tachycardia 1. Last evaluated: 2025-02-05. Review status: criteria provided, single submitter. Criteria: Invitae Variant Classification Sherloc (09022015). Collection method: clinical testing. Allele origin: germline.
Comment: This sequence change replaces glutamic acid, which is acidic and polar, with glutamine, which is neutral and polar, at codon 4414 of the RYR2 protein (p.Glu4414Gln). This variant is present in population databases (no rsID available, gnomAD 0.01%). This variant has not been reported in the literature in individuals affected with RYR2-related conditions. Invitae Evidence Modeling of protein sequence and biophysical properties (such as structural, functional, and spatial information, amino acid conservation, physicochemical variation, residue mobility, and thermodynamic stability) indicates that this missense variant is not expected to disrupt RYR2 protein function with a negative predictive value of 95%. In summary, the available evidence is currently insufficient to determine the role of this variant in disease. Therefore, it has been classified as a Variant of Uncertain Significance.

NM_001035.3(RYR2):c.13240G>C (p.Glu4414Gln)

Genes: RYR2 (ryanodine receptor 2; plus strand), LOC126806068 (BRD4-independent group 4 enhancer GRCh37_chr1:237947411-237948610; plus strand). Cytogenetic location: 1q43.
Variant type: single nucleotide variant.
Coding change: c.13240G>C on transcript NM_001035.3 (MANE Select); coding-DNA position 13240, G replaced by C.
Protein change: p.Glu4414Gln; replaces glutamic acid 4414 with glutamine.
Molecular consequence: missense variant.
Genome position (GRCh38, 1-based): chr1:237,784,952, G>C. VCF-style: chr1-237784952-G-C. GRCh37 (hg19) VCF-style: chr1-237948252-G-C.
Other names: short protein forms E4414Q.
Identifiers: ClinVar variation 3665640 (VCV003665640.2).
Genomic context (GRCh38, chr1:237,784,952, plus strand): 5'-ATTCCTCATAATCCAAATGCTGGGCTCAGTGACCTCATGAGCAACCCAGTCCCCATGCCT[G>C]AGGTGCAGGAAAAATTTCAGGTAATTTATCTCTAAGTCACAGCAGCATTCTCTCTGGACT-3'
Protein context (NP_001026.2, residues 4404-4424): DLMSNPVPMP[Glu4414Gln]VQEKFQEQKA